The following is an entry in ClinVar:

ClinVar aggregate classification (germline): Uncertain significance (1 of 4 stars; one submission).

Conditions:
Hereditary cancer-predisposing syndrome. Also called: Neoplastic Syndromes, Hereditary; Tumor predisposition; Hereditary Cancer Syndrome; Hereditary neoplastic syndrome. Identifiers: Orphanet 140162, MedGen C0027672, MeSH D009386, MONDO:0015356.

Submission:

Ambry Genetics
Classification: Uncertain significance for Hereditary cancer-predisposing syndrome. Last evaluated: 2026-01-23. Review status: criteria provided, single submitter. Criteria: Ambry Variant Classification Scheme 2023. Collection method: clinical testing. Allele origin: germline.
Comment: The p.A399T variant (also known as c.1195G>A), located in coding exon 12 of the POLE gene, results from a G to A substitution at nucleotide position 1195. The alanine at codon 399 is replaced by threonine, an amino acid with similar properties. This amino acid position is conserved. In addition, this alteration is predicted to be tolerated by in silico analysis. Based on the available evidence, the clinical significance of this variant remains unclear.

NM_006231.4(POLE):c.1195G>A (p.Ala399Thr)

Gene: POLE (DNA polymerase epsilon, catalytic subunit; minus strand). Cytogenetic location: 12q24.33.
Variant type: single nucleotide variant.
Coding change: c.1195G>A on transcript NM_006231.4 (MANE Select); coding-DNA position 1195, G replaced by A.
Protein change: p.Ala399Thr; replaces alanine 399 with threonine.
Molecular consequence: missense variant.
Genome position (GRCh38, 1-based): chr12:132,675,429, C>T on the plus strand (G>A on the coding strand, the complement: POLE is on the minus strand). VCF-style: chr12-132675429-C-T. GRCh37 (hg19) VCF-style: chr12-133252015-C-T.
Other names: short protein forms A399T.
Identifiers: ClinVar variation 4844259 (VCV004844259.1).